The following is an entry in ClinVar:

NM_020975.6(RET):c.243T>G (p.His81Gln)

Gene: RET (ret proto-oncogene; plus strand). Cytogenetic location: 10q11.21.
Variant type: single nucleotide variant.
Coding change: c.243T>G on transcript NM_020975.6 (MANE Select); coding-DNA position 243, T replaced by G.
Protein change: p.His81Gln; replaces histidine 81 with glutamine.
Molecular consequence: missense variant. On other transcripts: intron variant (4).
Genome position (GRCh38, 1-based): chr10:43,100,628, T>G. VCF-style: chr10-43100628-T-G. GRCh37 (hg19) VCF-style: chr10-43596076-T-G.
Other names: c.243T>G, p.His81Gln (NM_001406743.1, NM_001406744.1, NM_001406759.1 and 32 more transcripts); c.74-8403T>G (NM_001406784.1); c.74-11471T>G (NM_001406794.1, NM_001406792.1, NM_001406793.1); short protein forms H81Q.
Identifiers: ClinVar variation 5028182 (VCV005028182.1).

ClinVar aggregate classification (germline): Uncertain significance (1 of 4 stars; one submission).

Conditions:
Hereditary cancer-predisposing syndrome. Also called: Neoplastic Syndromes, Hereditary; Tumor predisposition; Hereditary neoplastic syndrome; Hereditary Cancer Syndrome. Identifiers: Orphanet 140162, MedGen C0027672, MeSH D009386, MONDO:0015356.

Submission:

Ambry Genetics
Classification: Uncertain significance for Hereditary cancer-predisposing syndrome. Last evaluated: 2026-07-07. Review status: criteria provided, single submitter. Criteria: Ambry Variant Classification Scheme 2023. Collection method: clinical testing. Allele origin: germline.
Comment: The p.H81Q variant (also known as c.243T>G), located in coding exon 2 of the RET gene, results from a T to G substitution at nucleotide position 243. The histidine at codon 81 is replaced by glutamine, an amino acid with highly similar properties. This amino acid position is conserved. In addition, this alteration is predicted to be tolerated by in silico analysis. Based on the available evidence, the clinical significance of this variant remains unclear.